The following is an entry in ClinVar:

ClinVar aggregate classification (germline): Uncertain significance (1 of 4 stars; one submission).

Allele frequency attached by ClinVar (database versions not stated): gnomAD 0.00001; gnomAD exomes 0.00001; TOPMed 0.00001.
gnomAD v4.1: 9 of 1,613,986 alleles (0.00056%); highest among the groups gnomAD compares: Non-Finnish European, 0.00076%; no homozygotes.

Submission:

Labcorp Genetics (formerly Invitae), Labcorp
Classification: Uncertain significance. Last evaluated: 2022-02-25. Review status: criteria provided, single submitter. Criteria: Invitae Variant Classification Sherloc (09022015). Collection method: clinical testing. Allele origin: germline.
Comment: This sequence change replaces glycine, which is neutral and non-polar, with glutamic acid, which is acidic and polar, at codon 230 of the FCHO1 protein (p.Gly230Glu). This variant is present in population databases (no rsID available, gnomAD 0.0009%). This variant has not been reported in the literature in individuals affected with FCHO1-related conditions. Algorithms developed to predict the effect of missense changes on protein structure and function are either unavailable or do not agree on the potential impact of this missense change (SIFT: "Tolerated"; PolyPhen-2: "Probably Damaging"; Align-GVGD: "Class C0"). In summary, the available evidence is currently insufficient to determine the role of this variant in disease. Therefore, it has been classified as a Variant of Uncertain Significance.

NM_015122.3(FCHO1):c.689G>A (p.Gly230Glu)

Gene: FCHO1 (FCH and mu domain containing endocytic adaptor 1; plus strand). Cytogenetic location: 19p13.11.
Variant type: single nucleotide variant.
Coding change: c.689G>A on transcript NM_015122.3 (MANE Select); coding-DNA position 689, G replaced by A.
Protein change: p.Gly230Glu; replaces glycine 230 with glutamic acid.
Molecular consequence: missense variant. On other transcripts: non-coding transcript variant (36).
Genome position (GRCh38, 1-based): chr19:17,772,551, G>A. VCF-style: chr19-17772551-G-A. GRCh37 (hg19) VCF-style: chr19-17883360-G-A.
Other names: c.689G>A, p.Gly230Glu (NM_001161357.2, NM_001161358.2, NM_001384370.1 and 26 more transcripts); c.539G>A, p.Gly180Glu (NM_001161359.2, NM_001384384.1, NM_001384385.1 and 3 more transcripts); c.650G>A, p.Gly217Glu (NM_001384388.1, NM_001384389.1, NM_001384405.1); c.614G>A, p.Gly205Glu (NM_001384390.1); short protein forms G217E, G230E, G180E, G205E.
Identifiers: ClinVar variation 1983880 (VCV001983880.1), dbSNP rs919450995, ClinGen allele CA306111890.